The following is an entry in ClinVar:

NM_000292.3(PHKA2):c.1259C>T (p.Ala420Val)

Gene: PHKA2 (phosphorylase kinase regulatory subunit alpha 2; minus strand). Cytogenetic location: Xp22.13.
Variant type: single nucleotide variant.
Coding change: c.1259C>T on transcript NM_000292.3 (MANE Select); coding-DNA position 1259, C replaced by T.
Protein change: p.Ala420Val; replaces alanine 420 with valine.
Molecular consequence: missense variant.
Genome position (GRCh38, 1-based): chrX:18,929,293, G>A on the plus strand (C>T on the coding strand, the complement: PHKA2 is on the minus strand). VCF-style: chrX-18929293-G-A. GRCh37 (hg19) VCF-style: chrX-18947411-G-A.
Other names: c.1259C>T, p.Ala420Val (NM_001440800.1, NM_001440801.1, NM_001440805.1); c.1160C>T, p.Ala387Val (NM_001440802.1, NM_001440803.1, NM_001440804.1); short protein forms A420V, A387V.
Identifiers: ClinVar variation 4691166 (VCV004691166.1).
Genomic context (GRCh38, chrX:18,929,293, plus strand): 5'-ACTACAACATCAGGTTTGACTGAAGTGGAAAATCTTCTATTTAAGGGATCGATTTCACCA[G>A]CGGCAAGGAATCCCTATGAAAAGAGGAGCATTAACACTATGAAATATTGATTAACTAAAA-3'
Protein context (NP_000283.1, residues 410-430): SSLLAEGFLA[Ala420Val]GEIDPLNRRF

ClinVar aggregate classification (germline): Uncertain significance (1 of 4 stars; one submission).

Conditions:
Glycogen storage disease IXa1. Also called: GLYCOGEN STORAGE DISEASE VIII; GSD VIII; Glycogen storage disease 8; LIVER GLYCOGENOSIS, X-LINKED, TYPE I. Identifiers: Orphanet 264580, MedGen C3694531, MONDO:0010598, OMIM 306000.

gnomAD v4.1: 1 of 1,158,806 alleles (0.000086%); highest among the groups gnomAD compares: Non-Finnish European, 0.00012%; no homozygotes.

Submission:

Labcorp Genetics (formerly Invitae), Labcorp
Classification: Uncertain significance for Glycogen storage disease IXa1. Last evaluated: 2025-09-25. Review status: criteria provided, single submitter. Criteria: Invitae Variant Classification Sherloc (09022015). Collection method: clinical testing. Allele origin: germline.
Comment: This sequence change replaces alanine, which is neutral and non-polar, with valine, which is neutral and non-polar, at codon 420 of the PHKA2 protein (p.Ala420Val). This variant is not present in population databases (gnomAD no frequency). This variant has not been reported in the literature in individuals affected with PHKA2-related conditions. Invitae Evidence Modeling of protein sequence and biophysical properties (such as structural, functional, and spatial information, amino acid conservation, physicochemical variation, residue mobility, and thermodynamic stability) indicates that this missense variant is not expected to disrupt PHKA2 protein function with a negative predictive value of 80%. In summary, the available evidence is currently insufficient to determine the role of this variant in disease. Therefore, it has been classified as a Variant of Uncertain Significance.